The following is an entry in ClinVar:

NM_015662.3(IFT172):c.4631G>A (p.Arg1544His)

Gene: IFT172 (intraflagellar transport 172; minus strand). Cytogenetic location: 2p23.3.
Variant type: single nucleotide variant.
Coding change: c.4631G>A on transcript NM_015662.3 (MANE Select); coding-DNA position 4631, G replaced by A.
Protein change: p.Arg1544His; replaces arginine 1544 with histidine.
Molecular consequence: missense variant.
Genome position (GRCh38, 1-based): chr2:27,447,543, C>T on the plus strand (G>A on the coding strand, the complement: IFT172 is on the minus strand). VCF-style: chr2-27447543-C-T. GRCh37 (hg19) VCF-style: chr2-27670410-C-T.
Other names: c.4631G>A (NM_015662.2); c.4565G>A, p.Arg1522His (NM_001410739.1); short protein forms R1522H, R1544H.
Identifiers: ClinVar variation 2164688 (VCV002164688.4), dbSNP rs751097060, ClinGen allele CA44517466.

ClinVar aggregate classification (germline): Uncertain significance. Review status: criteria provided, multiple submitters, no conflicts (2 of 4 stars). 4 submissions from 4 submitters: Uncertain significance (4). Last evaluated 2025-08-29.

Conditions:
IFT172-related disorder. Also called: IFT172-related disorders; IFT172-related condition.
Bardet-Biedl syndrome 20. Identifiers: MedGen C4310707, MONDO:0023670, OMIM 619471, MONDO:0014926.
Retinitis pigmentosa 71 (RP71). Identifiers: Orphanet 791, MedGen C4225342, MONDO:0014618, OMIM 616394.
Short-rib thoracic dysplasia 10 with or without polydactyly (SRTD10). Identifiers: Orphanet 474, MedGen C3810175, MONDO:0014284, OMIM 615630.

Allele frequency attached by ClinVar (database versions not stated): TOPMed 0.00002; gnomAD 0.00003.
gnomAD v4.1: 15 of 1,613,974 alleles (0.00093%); highest among the groups gnomAD compares: East Asian, 0.0022%; no homozygotes.

Submissions (4):

PreventionGenetics, part of Exact Sciences
Classification: Uncertain significance for IFT172-related condition. Last evaluated: 2025-08-29. Review status: criteria provided, single submitter. Criteria: ACMG Guidelines, 2015. Collection method: clinical testing. Allele origin: germline.
Comment: The IFT172 c.4631G>A variant is predicted to result in the amino acid substitution p.Arg1544His. To our knowledge, this variant has not been reported in the literature. This variant is reported in 0.0040% of alleles in individuals of European (Finnish) descent in gnomAD. An alternate missense change at the same amino acid position, and with a similar population frequency in gnomAD has been documented as a pathogenic variant in the literature (p.Arg1544Cys; Halbritter et al. 2013. PubMed ID: 24140113). At this time, the clinical significance of the p.Arg1544His variant is uncertain due to the absence of conclusive functional and genetic evidence.

Fulgent Genetics
Classification: Uncertain significance for Short-rib thoracic dysplasia 10 with or without polydactyly; Retinitis pigmentosa 71; Bardet-Biedl syndrome 20. Last evaluated: 2024-04-17. Review status: criteria provided, single submitter. Criteria: ACMG Guidelines, 2015. Collection method: clinical testing. Allele origin: germline.

Revvity Omics, Revvity
Classification: Uncertain significance. Last evaluated: 2023-08-23. Review status: criteria provided, single submitter. Criteria: ACMG Guidelines, 2015. Collection method: clinical testing. Allele origin: germline.

Labcorp Genetics (formerly Invitae), Labcorp
Classification: Uncertain significance for Retinitis pigmentosa 71; Short-rib thoracic dysplasia 10 with or without polydactyly. Last evaluated: 2022-07-21. Review status: criteria provided, single submitter. Criteria: Invitae Variant Classification Sherloc (09022015). Collection method: clinical testing. Allele origin: germline.
Comment: This sequence change replaces arginine, which is basic and polar, with histidine, which is basic and polar, at codon 1544 of the IFT172 protein (p.Arg1544His). This variant is present in population databases (rs751097060, gnomAD 0.004%). This variant has not been reported in the literature in individuals affected with IFT172-related conditions. Algorithms developed to predict the effect of missense changes on protein structure and function are either unavailable or do not agree on the potential impact of this missense change (SIFT: "Deleterious"; PolyPhen-2: "Possibly Damaging"; Align-GVGD: "Class C0"). This variant disrupts the p.Arg1544 amino acid residue in IFT172. Other variant(s) that disrupt this residue have been determined to be pathogenic (PMID: 24140113). This suggests that this residue is clinically significant, and that variants that disrupt this residue are likely to be disease-causing. In summary, the available evidence is currently insufficient to determine the role of this variant in disease. Therefore, it has been classified as a Variant of Uncertain Significance.

Literature cited by the submitters: PubMed 24140113 (cited by Labcorp Genetics (formerly Invitae), Labcorp).